The following is an entry in ClinVar:

NM_000551.4(VHL):c.*3352G>A

Genes: VHL (von Hippel-Lindau tumor suppressor; plus strand), LOC107303340 (3p25 von Hippel-Lindau tumor suppressor, E3 ubiquitin protein ligase Alu-mediated recombination region; plus strand). Cytogenetic location: 3p25.3.
Variant type: single nucleotide variant.
Coding change: c.*3352G>A on transcript NM_000551.4 (MANE Select); 3352 bases downstream of the stop codon, G replaced by A.
Molecular consequence: 3 prime UTR variant.
Genome position (GRCh38, 1-based): chr3:10,153,317, G>A. VCF-style: chr3-10153317-G-A. GRCh37 (hg19) VCF-style: chr3-10195001-G-A.
Other names: c.*3548G>A (NM_001354723.2); c.*3352G>A (NM_198156.3).
Identifiers: ClinVar variation 342500 (VCV000342500.5), dbSNP rs112130915, ClinGen allele CA10614436.

ClinVar aggregate classification (germline): Benign (1 of 4 stars; one submission).

Conditions:
Von Hippel-Lindau syndrome (VHLS). Also called: Von Hippel-Lindau; von Hippel–Lindau syndrome; VHL syndrome. Identifiers: Orphanet 892, MedGen C0019562, MONDO:0008667, OMIM 193300. Disease mechanism: loss of function.

Allele frequency attached by ClinVar (database versions not stated): gnomAD 0.01140; TOPMed 0.01231; 1000 Genomes Project 0.01338; 1000 Genomes Project 30x 0.01468.
gnomAD v4.1: 1,597 of 151,836 alleles (1.1%); highest among the groups gnomAD compares: African/African-American, 3.6%; 31 homozygotes.

Submission:

Illumina Laboratory Services, Illumina
Classification: Benign for Von Hippel-Lindau syndrome. Last evaluated: 2018-01-12. Review status: criteria provided, single submitter. Criteria: ICSL Variant Classification Criteria 13 December 2019. Collection method: clinical testing. Allele origin: germline.
Comment: This variant was observed in the ICSL laboratory as part of a predisposition screen in an ostensibly healthy population. It had not been previously curated by ICSL or reported in the Human Gene Mutation Database (HGMD: prior to June 1st, 2018), and was therefore a candidate for classification through an automated scoring system. Utilizing variant allele frequency, disease prevalence and penetrance estimates, and inheritance mode, an automated score was calculated to assess if this variant is too frequent to cause the disease. Based on the score and internal cut-off values, a variant classified as benign is not then subjected to further curation. The score for this variant resulted in a classification of benign for this disease.